The following is an entry in ClinVar:

NM_000116.5(TAFAZZIN):c.284+5G>A

Gene: TAFAZZIN (tafazzin, phospholipid-lysophospholipid transacylase; plus strand). Cytogenetic location: Xq28.
Variant type: single nucleotide variant.
Coding change: c.284+5G>A on transcript NM_000116.5 (MANE Select); 5 bases into the intron after coding-DNA position 284, G replaced by A.
Molecular consequence: intron variant. On other transcripts: non-coding transcript variant (1).
Genome position (GRCh38, 1-based): chrX:154,413,257, G>A. VCF-style: chrX-154413257-G-A. GRCh37 (hg19) VCF-style: chrX-153641594-G-A.
Other names: c.338+5G>A (NM_001303465.2); c.284+5G>A (NM_181312.4, NM_181311.4, NM_181313.4).
Identifiers: ClinVar variation 1937688 (VCV001937688.7), dbSNP rs2522937677, ClinGen allele CA2580101800.

ClinVar aggregate classification (germline): Conflicting classifications of pathogenicity. Review status: criteria provided, conflicting classifications (1 of 4 stars). 2 submissions from 2 submitters: Likely pathogenic (1); Uncertain significance (1). Last evaluated 2022-03-08.

Conditions:
3-Methylglutaconic aciduria type 2 (BTHS). Also called: CARDIOSKELETAL MYOPATHY WITH NEUTROPENIA AND ABNORMAL MITOCHONDRIA; Barth syndrome. Identifiers: Orphanet 111, MedGen C0574083, MONDO:0010543, OMIM 302060.

Submissions (2):

Labcorp Genetics (formerly Invitae), Labcorp
Classification: Uncertain significance for 3-Methylglutaconic aciduria type 2. Last evaluated: 2022-03-08. Review status: criteria provided, single submitter. Criteria: Invitae Variant Classification Sherloc (09022015). Collection method: clinical testing. Allele origin: germline.
Comment: This sequence change falls in intron 3 of the TAZ gene. It does not directly change the encoded amino acid sequence of the TAZ protein. It affects a nucleotide within the consensus splice site. This variant is not present in population databases (gnomAD no frequency). This variant has not been reported in the literature in individuals affected with TAZ-related conditions. Variants that disrupt the consensus splice site are a relatively common cause of aberrant splicing (PMID: 17576681, 9536098). Algorithms developed to predict the effect of sequence changes on RNA splicing suggest that this variant may disrupt the consensus splice site. In summary, the available evidence is currently insufficient to determine the role of this variant in disease. Therefore, it has been classified as a Variant of Uncertain Significance.

Molecular Diagnostics Lab, Nemours Children's Health, Delaware
Classification: Likely pathogenic for 3-Methylglutaconic aciduria type 2. Last evaluated: 2020-09-15. Review status: criteria provided, single submitter. Criteria: ACMG Guidelines, 2015. Collection method: clinical testing. Allele origin: unknown. Inheritance: X-linked inheritance. Affected: yes and no. Observed: 1 heterozygote, 1 hemizygote.

Literature cited by the submitters: PubMed 17576681 (cited by Labcorp Genetics (formerly Invitae), Labcorp); PubMed 9536098 (cited by Labcorp Genetics (formerly Invitae), Labcorp).